The following is an entry in ClinVar:

ClinVar aggregate classification (germline): Uncertain significance (1 of 4 stars; one submission).

Conditions:
Developmental and epileptic encephalopathy, 8 (DEE8). Also called: HYPEREKPLEXIA AND EPILEPSY. Identifiers: Orphanet 163985, Orphanet 2076, MedGen C1845102, MONDO:0010375, OMIM 300607.

Allele frequency attached by ClinVar (database versions not stated): TOPMed below 0.00001; gnomAD exomes 0.00002.
gnomAD v4.1: 19 of 1,211,588 alleles (0.0016%); highest among the groups gnomAD compares: Middle Eastern, 0.023%; no homozygotes.

Submission:

Labcorp Genetics (formerly Invitae), Labcorp
Classification: Uncertain significance for Developmental and epileptic encephalopathy, 8. Last evaluated: 2022-09-19. Review status: criteria provided, single submitter. Criteria: Invitae Variant Classification Sherloc (09022015). Collection method: clinical testing. Allele origin: germline.
Comment: In summary, the available evidence is currently insufficient to determine the role of this variant in disease. Therefore, it has been classified as a Variant of Uncertain Significance. This sequence change replaces valine, which is neutral and non-polar, with isoleucine, which is neutral and non-polar, at codon 20 of the ARHGEF9 protein (p.Val20Ile). This variant is present in population databases (rs781899711, gnomAD 0.008%), including at least one homozygous and/or hemizygous individual. This variant has not been reported in the literature in individuals affected with ARHGEF9-related conditions. Advanced modeling of protein sequence and biophysical properties (such as structural, functional, and spatial information, amino acid conservation, physicochemical variation, residue mobility, and thermodynamic stability) has been performed at Invitae for this missense variant, however the output from this modeling did not meet the statistical confidence thresholds required to predict the impact of this variant on ARHGEF9 protein function.

NM_001353921.2(ARHGEF9):c.79G>A (p.Val27Ile)

Gene: ARHGEF9 (Cdc42 guanine nucleotide exchange factor 9; minus strand). Cytogenetic location: Xq11.1.
Variant type: single nucleotide variant.
Coding change: c.79G>A on transcript NM_001353921.2 (MANE Select); coding-DNA position 79, G replaced by A.
Protein change: p.Val27Ile; replaces valine 27 with isoleucine.
Molecular consequence: missense variant. On other transcripts: 5 prime UTR variant (13), intron variant (6).
Genome position (GRCh38, 1-based): chrX:63,724,663, C>T on the plus strand (G>A on the coding strand, the complement: ARHGEF9 is on the minus strand). VCF-style: chrX-63724663-C-T. GRCh37 (hg19) VCF-style: chrX-62944543-C-T.
Other names: c.-6G>A (NM_001330495.2, NM_001353927.2, NM_001369033.1 and 8 more transcripts); c.79G>A, p.Val27Ile (NM_001353922.2); c.97G>A, p.Val33Ile (NM_001353923.1); c.58G>A, p.Val20Ile (NM_001353928.2, NM_001369030.1, NM_001369031.1 and 2 more transcripts); c.-385G>A (NM_001369042.1); c.-625G>A (NM_001369045.1); c.31-18214G>A (NM_001173479.2); c.10-18214G>A (NM_001369040.1, NM_001369039.1, NM_001353926.2 and 1 more transcripts); and 1 more; short protein forms V33I, V20I, V27I.
Identifiers: ClinVar variation 2077341 (VCV002077341.4), dbSNP rs781899711, ClinGen allele CA330344250.